The following is an entry in ClinVar:

NM_001228.5(CASP8):c.-26-6994T>C

Gene: CASP8 (caspase 8; plus strand). Cytogenetic location: 2q33.1.
Variant type: single nucleotide variant.
Coding change: c.-26-6994T>C on transcript NM_001228.5; 6994 bases into the intron before 26 bases upstream of the start codon, T replaced by C.
Molecular consequence: intron variant.
Genome position (GRCh38, 1-based): chr2:201,259,467, T>C. VCF-style: chr2-201259467-T-C. GRCh37 (hg19) VCF-style: chr2-202124190-T-C.
Other names: c.151+1085T>C (NM_001080125.2, NM_001400642.1, NM_001400665.1); c.-1+1085T>C (NM_001400655.1, NM_001400662.1); c.-533+1085T>C (NM_001400750.1, NM_001400751.1); c.-27+1313T>C (NM_001400645.1, NM_001400656.1, NM_001400658.1 and 1 more transcripts); c.-559+1313T>C (NM_001400678.1); c.-1+1313T>C (NM_001400654.1); c.-26-6994T>C (NM_001400651.1, NM_001400663.1, NM_001400648.1 and 2 more transcripts); c.1-7020T>C (NM_001400657.1, NM_001400660.1, NM_033355.4 and 1 more transcripts); and 3 more.
Identifiers: ClinVar variation 1184344 (VCV001184344.3), dbSNP rs905759639, ClinGen allele CA63872524.
Genomic context (GRCh38, chr2:201,259,467, plus strand): 5'-CTCAAGGGATCCTCCCACCTTGGCCTCTCAAAGTGCTAGGATTACATGCATGAGCCACGG[T>C]GGCCATCCAGGCATTGATATTATGAGGCCATCTTGACCTAGCCCTCTCTGGTGAAGAGTC-3'

ClinVar aggregate classification (germline): Uncertain significance (1 of 4 stars; one submission).

Conditions:
Autoimmune lymphoproliferative syndrome type 2B. Also called: AUTOIMMUNE LYMPHOPROLIFERATIVE SYNDROME, TYPE IIB. Identifiers: Orphanet 275517, MedGen C1846545, MONDO:0011804, OMIM 607271.

Allele frequency attached by ClinVar (database versions not stated): TOPMed 0.00005; gnomAD 0.00001.
gnomAD v4.1: 1 of 152,188 alleles (0.00066%); highest among the groups gnomAD compares: Admixed American, 0.0065%; no homozygotes.

Submission:

New York Genome Center
Classification: Uncertain significance for Autoimmune lymphoproliferative syndrome type 2B. Last evaluated: 2020-06-19. Review status: criteria provided, single submitter. Criteria: NYGC Assertion Criteria 2020. Collection method: clinical testing. Allele origin: inherited. Observed: 1 compound heterozygote. Study: CSER-NYCKidSeq.
Comment: The inherited heterozygous deep intronic variant c.1-7020T>C is located in intron 2 (of 9) of the CASP8 gene. This deep intronic variant has neither been reported in affected individuals in the literature nor in the ClinVar database. The variant has 0.000006979 allele frequency in the gnomAD(v3)database (1 out of 143,29 heterozygous alleles) indicating it is an extremely rare allele in the general population. Functional studies are required to evaluate potential pathogenicity of this variant, if any. Based on the available evidence, the inherited heterozygous deep intronic c.1-7020T>C variant identified in CASP8 gene is assessed as a variant of uncertain significance.